The following is an entry in ClinVar:

NC_012920.1(MT-CO2):m.8010T>C

Gene: MT-CO2 (mitochondrially encoded cytochrome c oxidase II; plus strand).
Variant type: single nucleotide variant.
Genome position: chrM-8010-T-C.
Identifiers: ClinVar variation 692807 (VCV000692807.1), dbSNP rs1603221254, ClinGen allele CA414794633.

ClinVar aggregate classification (germline): Uncertain significance (1 of 4 stars; one submission).

Conditions:
Leigh syndrome (NULS). Also called: Leigh's necrotizing encephalopathy; Leigh's disease; Leigh Syndrome (mtDNA deletion); Leigh Disease; Subacute necrotizing encephalopathy; Necrotizing encephalopathy infantile subacute of Leigh. Identifiers: Orphanet 506, MedGen C2931891, MONDO:0009723, OMIM 256000.

Submission:

Wong Mito Lab, Molecular and Human Genetics, Baylor College of Medicine
Classification: Uncertain significance for Leigh syndrome. Last evaluated: 2019-10-17. Review status: criteria provided, single submitter. Criteria: Modified ACMG Guidelines (Unpublished). Collection method: clinical testing. Allele origin: germline.
Comment: The NC_012920.1:m.8010T>C (YP_003024029.1:p.Val142Ala) variant in MTCO2 gene is interpretated to be a Uncertain Significance variant based on the modified ACMG guidelines (unpublished). This variant meets the following evidence codes: PM9, PP4, PP6